The following is an entry in ClinVar:

NM_000222.3(KIT):c.1168dup (p.Tyr390fs)

Gene: KIT (KIT proto-oncogene, receptor tyrosine kinase; plus strand). Cytogenetic location: 4q12.
Variant type: Duplication.
Coding change: c.1168dup on transcript NM_000222.3 (MANE Select); coding-DNA position 1168, one base duplicated (T; older notation c.1168dupT).
Protein change: p.Tyr390fs; shifts the reading frame from tyrosine 390.
Molecular consequence: frameshift variant.
Genome position (GRCh38, 1-based): chr4:54,709,476, T duplicated; the last of 2 consecutive T bases (chr4:54,709,475-54,709,476); duplicating either gives the same sequence. VCF-style (leftmost placement, unchanged base first): chr4-54709474-C-CT. GRCh37 (hg19) VCF-style: chr4-55575640-C-CT.
Other names: c.1168dup, p.Tyr390fs (NM_001093772.2, NM_001385285.1, NM_001385286.1); c.1171dup, p.Tyr391fs (NM_001385284.1, NM_001385288.1, NM_001385290.1 and 1 more transcripts); short protein forms Y390fs, Y391fs.
Identifiers: ClinVar variation 960325 (VCV000960325.8), dbSNP rs1721001014, ClinGen allele CA1139655844.

ClinVar aggregate classification (germline): Pathogenic (1 of 4 stars; one submission).

Conditions:
Gastrointestinal stromal tumor. Also called: Gastrointestinal stromal tumor, somatic; Gastrointestinal stroma tumor. Identifiers: Orphanet 44890, MedGen C0238198, MeSH D046152, MONDO:0011719, OMIM 606764, HP:0100723.

Submission:

Labcorp Genetics (formerly Invitae), Labcorp
Classification: Pathogenic for Gastrointestinal stromal tumor. Last evaluated: 2019-09-30. Review status: criteria provided, single submitter. Criteria: Invitae Variant Classification Sherloc (09022015). Collection method: clinical testing. Allele origin: germline.
Comment: This variant is not present in population databases (ExAC no frequency). This sequence change creates a premature translational stop signal (p.Tyr390Leufs*9) in the KIT gene. It is expected to result in an absent or disrupted protein product. This variant has not been reported in the literature in individuals with KIT-related conditions. Loss-of-function variants in KIT are known to be pathogenic (PMID: 15194144). For these reasons, this variant has been classified as Pathogenic.

Literature cited by the submitters: PubMed 15194144.